The following is an entry in ClinVar:

ClinVar aggregate classification (germline): Uncertain significance (1 of 4 stars; one submission).

Conditions:
Myopathy, proximal, and ophthalmoplegia (CMYO6). Also called: INCLUSION BODY MYOPATHY 3, AUTOSOMAL DOMINANT; CONGENITAL MYOPATHY 6 WITH OPHTHALMOPLEGIA; MYOPATHY WITH CONGENITAL JOINT CONTRACTURES, OPHTHALMOPLEGIA, AND RIMMED VACUOLES. Identifiers: Orphanet 363677, Orphanet 79091, MedGen C1854106, MONDO:0011577, OMIM 605637.

gnomAD v4.1: 1 of 1,614,234 alleles (0.000062%); highest among the groups gnomAD compares: Non-Finnish European, 0.000085%; no homozygotes.

Submission:

3billion
Classification: Uncertain significance for Myopathy, proximal, and ophthalmoplegia. Last evaluated: 2024-11-26. Review status: criteria provided, single submitter. Criteria: ACMG Guidelines, 2015. Collection method: clinical testing. Allele origin: germline. Affected: yes.
Comment: The variant is observed at an extremely low frequency in the gnomAD v4.1.0 dataset (total allele frequency: <0.001%). Predicted Consequence/Location: Intron variant In silico tools predict the variant to alter splicing and produce an abnormal transcript [SpliceAI: 0.84 (>=0.2, moderate evidence for spliceogenicity)]. Therefore, this variant is classified as VUS according to the recommendation of ACMG/AMP guideline.

NM_017534.6(MYH2):c.4972-14G>A

Genes: MYH2 (myosin heavy chain 2; minus strand), MYHAS (myosin heavy chain gene cluster antisense RNA; plus strand), LOC126862500 (BRD4-independent group 4 enhancer GRCh37_chr17:10427829-10429028; plus strand). Cytogenetic location: 17p13.1.
Variant type: single nucleotide variant.
Coding change: c.4972-14G>A on transcript NM_017534.6 (MANE Select); 14 bases into the intron before coding-DNA position 4972, G replaced by A.
Molecular consequence: intron variant.
Genome position (GRCh38, 1-based): chr17:10,524,683, C>T on the plus strand (G>A on the coding strand, the complement: MYH2 is on the minus strand). VCF-style: chr17-10524683-C-T. GRCh37 (hg19) VCF-style: chr17-10428000-C-T.
Other names: c.4972-14G>A (NM_001100112.2).
Identifiers: ClinVar variation 4292799 (VCV004292799.1).
Genomic context (GRCh38, chr17:10,524,683, plus strand): 5'-AGGTCCTCCTGGCTCCGGAGAGCATCATCCAGGTGGATCTGGGTATCCTGTGAAACAAAC[C>T]ATCATTGAGACATCATGTTCTCAGGGTTGCAGGCACCCCAATAGTCCTGGGACCATCTCT-3'